The following is an entry in ClinVar:

NM_032447.5(FBN3):c.4498G>A (p.Gly1500Arg)

Gene: FBN3 (fibrillin 3; minus strand). Cytogenetic location: 19p13.2.
Variant type: single nucleotide variant.
Coding change: c.4498G>A on transcript NM_032447.5 (MANE Select); coding-DNA position 4498, G replaced by A.
Protein change: p.Gly1500Arg; replaces glycine 1500 with arginine.
Molecular consequence: missense variant.
Genome position (GRCh38, 1-based): chr19:8,109,347, C>T on the plus strand (G>A on the coding strand, the complement: FBN3 is on the minus strand). VCF-style: chr19-8109347-C-T. GRCh37 (hg19) VCF-style: chr19-8174231-C-T.
Other names: c.4498G>A, p.Gly1500Arg (NM_001321431.2); short protein forms G1500R.
Identifiers: ClinVar variation 4752099 (VCV004752099.1).

ClinVar aggregate classification (germline): Uncertain significance (1 of 4 stars; one submission).

gnomAD v4.1: 42 of 1,614,096 alleles (0.0026%); highest among the groups gnomAD compares: Middle Eastern, 0.016%; no homozygotes.

Submission:

Labcorp Genetics (formerly Invitae), Labcorp
Classification: Uncertain significance. Last evaluated: 2025-08-29. Review status: criteria provided, single submitter. Criteria: Invitae Variant Classification Sherloc (09022015). Collection method: clinical testing. Allele origin: germline.
Comment: This sequence change replaces glycine, which is neutral and non-polar, with arginine, which is basic and polar, at codon 1500 of the FBN3 protein (p.Gly1500Arg). This variant is present in population databases (rs745616791, gnomAD 0.006%). This variant has not been reported in the literature in individuals affected with FBN3-related conditions. Invitae Evidence Modeling of protein sequence and biophysical properties (such as structural, functional, and spatial information, amino acid conservation, physicochemical variation, residue mobility, and thermodynamic stability) indicates that this missense variant is expected to disrupt FBN3 protein function with a positive predictive value of 80%. In summary, the available evidence is currently insufficient to determine the role of this variant in disease. Therefore, it has been classified as a Variant of Uncertain Significance.